The following is an entry in ClinVar:

ClinVar aggregate classification (germline): Conflicting classifications of pathogenicity. Review status: criteria provided, conflicting classifications (1 of 4 stars). 10 submissions from 10 submitters: Uncertain significance (1); Benign (2); Likely benign (5). 2 of the submissions do not count toward it. Last evaluated 2026-03-01.

Conditions:
ARID1B-Related Disorder. Identifiers: MedGen CN381337.
Inborn genetic diseases. Identifiers: MedGen C0950123, MeSH D030342.
Intellectual disability. Also called: intellectual disabilities; Intellectual functioning disability; Intellectual developmental disorder. Identifiers: MedGen C3714756, MeSH D008607, MONDO:0001071, HP:0001249.

Submissions (10):

CeGaT Center for Human Genetics Tuebingen
Classification: Likely benign. Last evaluated: 2026-03-01. Review status: criteria provided, single submitter. Criteria: CeGaT Center For Human Genetics Tuebingen Variant Classification Criteria Version 2. Collection method: clinical testing. Allele origin: germline. Affected: yes. Observed: 13 variant alleles.
Comment: ARID1B: BS1

Labcorp Genetics (formerly Invitae), Labcorp
Classification: Likely benign. Last evaluated: 2026-01-24. Review status: criteria provided, single submitter. Criteria: Invitae Variant Classification Sherloc (09022015). Collection method: clinical testing. Allele origin: germline.

Laboratory of Genetics, Children's Clinical University Hospital Latvia
Classification: Likely benign. Last evaluated: 2025-02-16. Review status: criteria provided, single submitter. Criteria: ACMG Guidelines, 2015. Collection method: clinical testing. Allele origin: germline. Affected: yes.

Blueprint Genetics
Classification: Likely benign. Last evaluated: 2024-11-11. Review status: criteria provided, single submitter. Criteria: ACMG Guidelines, 2015. Collection method: clinical testing. Allele origin: germline.

GeneDx
Classification: Benign. Last evaluated: 2019-05-31. Review status: criteria provided, single submitter. Criteria: GeneDx Variant Classification Process June 2021. Collection method: clinical testing. Allele origin: germline. Affected: yes.

Ambry Genetics
Classification: Benign for Inborn genetic diseases. Last evaluated: 2019-01-18. Review status: criteria provided, single submitter. Criteria: Ambry Variant Classification Scheme 2023. Collection method: clinical testing. Allele origin: germline.

Center for Pediatric Genomic Medicine, Children's Mercy Hospital and Clinics
Classification: Uncertain significance. Last evaluated: 2016-04-25. Review status: criteria provided, single submitter. Criteria: ACMG Guidelines, 2015. Collection method: clinical testing. Allele origin: germline.
ClinVar note: Converted during submission from Uncertain Significance to Uncertain significance.

Genetic Services Laboratory, University of Chicago
Classification: Likely benign. Last evaluated: 2016-04-13. Review status: criteria provided, single submitter. Criteria: ACMG Guidelines, 2015. Collection method: clinical testing. Allele origin: germline. Affected: no.

PreventionGenetics, part of Exact Sciences
Classification: Benign for ARID1B-related condition. Last evaluated: 2024-06-03. Review status: no assertion criteria provided. Collection method: clinical testing. Allele origin: germline. Not counted in ClinVar's aggregate classification.
Comment: This variant is classified as benign based on ACMG/AMP sequence variant interpretation guidelines (Richards et al. 2015 PMID: 25741868, with internal and published modifications).

Centre de Biologie Pathologie Génétique, Centre Hospitalier Universitaire de Lille
Classification: Uncertain significance for Intellectual disability. Last evaluated: 2019-01-01. Review status: no assertion criteria provided. Collection method: clinical testing. Allele origin: unknown. Affected: yes. Not counted in ClinVar's aggregate classification.

NM_001374828.1(ARID1B):c.1303GGC[7] (p.Gly440_Tyr441insGly)

Gene: ARID1B (AT-rich interaction domain 1B; plus strand). Cytogenetic location: 6q25.3.
Variant type: Microsatellite.
Coding change: c.1303GGC[7] on transcript NM_001374828.1 (MANE Select); seven copies in a row of the 3-base unit GGC starting at c.1303; the reference has six copies in a row; one copy, 3 bases duplicated.
Protein change: p.Gly440_Tyr441insGly.
Molecular consequence: inframe insertion.
Genome position (GRCh38, 1-based): chr6:156,778,998-156,779,000, GGC duplicated; duplicating any 3 consecutive bases within chr6:156,778,983-156,779,000 gives the same sequence; the position shown is the placement nearest the transcript's 3' end. VCF-style (leftmost placement, unchanged base first): chr6-156778982-A-AGGC. GRCh37 (hg19) VCF-style: chr6-157100116-A-AGGC.
Other names: c.1069_1071dup (NM_020732.3); c.1069_1071dupGGC (NM_020732.3); c.1303GGC[7], p.Gly440_Tyr441insGly (NM_001371656.1, NM_001374820.1, NM_017519.3).
Identifiers: ClinVar variation 434377 (VCV000434377.55), dbSNP rs797045268, ClinGen allele CA10581336.